The following is an entry in ClinVar:

ClinVar aggregate classification (germline): Likely benign. Review status: criteria provided, single submitter (1 of 4 stars). 2 submissions from 2 submitters: Likely benign (1). 1 of the submissions does not count toward it. Last evaluated 2025-12-23.

Conditions:
Renal cell carcinoma. Identifiers: Orphanet 217071, MedGen C0007134, MeSH D002292, MONDO:0005086, HP:0005584.
MET-related disorder. Also called: MET-related condition.

gnomAD v4.1: 7 of 1,613,930 alleles (0.00043%); highest among the groups gnomAD compares: Non-Finnish European, 0.00059%; no homozygotes.

Submissions (2):

Labcorp Genetics (formerly Invitae), Labcorp
Classification: Likely benign for Renal cell carcinoma. Last evaluated: 2025-12-23. Review status: criteria provided, single submitter. Criteria: Invitae Variant Classification Sherloc (09022015). Collection method: clinical testing. Allele origin: germline.

PreventionGenetics, part of Exact Sciences
Classification: Likely benign for MET-related condition. Last evaluated: 2024-05-13. Review status: no assertion criteria provided. Collection method: clinical testing. Allele origin: germline. Not counted in ClinVar's aggregate classification.
Comment: This variant is classified as likely benign based on ACMG/AMP sequence variant interpretation guidelines (Richards et al. 2015 PMID: 25741868, with internal and published modifications).

NM_000245.4(MET):c.1966-6C>T

Gene: MET (MET proto-oncogene, receptor tyrosine kinase; plus strand). Cytogenetic location: 7q31.2.
Variant type: single nucleotide variant.
Coding change: c.1966-6C>T on transcript NM_000245.4 (MANE Select); 6 bases into the intron before coding-DNA position 1966, C replaced by T.
Molecular consequence: intron variant.
Genome position (GRCh38, 1-based): chr7:116,757,632, C>T. VCF-style: chr7-116757632-C-T. GRCh37 (hg19) VCF-style: chr7-116397686-C-T.
Other names: c.1966-6C>T (NM_001127500.3, NM_001324401.3); c.676-6C>T (NM_001324402.2).
Identifiers: ClinVar variation 3346767 (VCV003346767.2).